The following is an entry in ClinVar:

ClinVar aggregate classification (germline): Uncertain significance (1 of 4 stars; one submission).

Allele frequency attached by ClinVar (database versions not stated): TOPMed below 0.00001; gnomAD 0.00001; ExAC 0.00006.
gnomAD v4.1: 38 of 1,613,696 alleles (0.0024%); highest among the groups gnomAD compares: Middle Eastern, 0.016%; no homozygotes.

Submission:

GeneDx
Classification: Uncertain significance. Last evaluated: 2022-09-07. Review status: criteria provided, single submitter. Criteria: GeneDx Variant Classification Process June 2021. Collection method: clinical testing. Allele origin: germline. Affected: yes.
Comment: In silico analysis supports that this missense variant has a deleterious effect on protein structure/function; Has not been previously published as pathogenic or benign to our knowledge

NM_000228.3(LAMB3):c.1522G>A (p.Gly508Ser)

Gene: LAMB3 (laminin subunit beta 3; minus strand). Cytogenetic location: 1q32.2.
Variant type: single nucleotide variant.
Coding change: c.1522G>A on transcript NM_000228.3 (MANE Select); coding-DNA position 1522, G replaced by A.
Protein change: p.Gly508Ser; replaces glycine 508 with serine.
Molecular consequence: missense variant.
Genome position (GRCh38, 1-based): chr1:209,626,942, C>T on the plus strand (G>A on the coding strand, the complement: LAMB3 is on the minus strand). VCF-style: chr1-209626942-C-T. GRCh37 (hg19) VCF-style: chr1-209800287-C-T.
Other names: c.1522G>A, p.Gly508Ser (NM_001017402.2, NM_001127641.1); short protein forms G508S.
Identifiers: ClinVar variation 2499257 (VCV002499257.1), dbSNP rs753412479, ClinGen allele CA1375555.